The following is an entry in ClinVar:

ClinVar aggregate classification (germline): Uncertain significance (1 of 4 stars; one submission).

Conditions:
Ehlers-Danlos syndrome, musculocontractural type 2 (EDSMC2). Identifiers: Orphanet 2953, MedGen C3809845, MONDO:0014236, OMIM 615539.

Allele frequency attached by ClinVar (database versions not stated): gnomAD exomes below 0.00001; ExAC 0.00001; gnomAD 0.00002; 1000 Genomes Project 0.00020.
gnomAD v4.1: 9 of 1,614,118 alleles (0.00056%); highest among the groups gnomAD compares: South Asian, 0.0066%; no homozygotes.

Submission:

Labcorp Genetics (formerly Invitae), Labcorp
Classification: Uncertain significance for Ehlers-Danlos syndrome, musculocontractural type 2. Last evaluated: 2021-12-23. Review status: criteria provided, single submitter. Criteria: Invitae Variant Classification Sherloc (09022015). Collection method: clinical testing. Allele origin: germline.
Comment: In summary, the available evidence is currently insufficient to determine the role of this variant in disease. Therefore, it has been classified as a Variant of Uncertain Significance. Algorithms developed to predict the effect of missense changes on protein structure and function output the following: SIFT: "Not Available"; PolyPhen-2: "Benign"; Align-GVGD: "Not Available". The proline amino acid residue is found in multiple mammalian species, which suggests that this missense change does not adversely affect protein function. This variant has not been reported in the literature in individuals affected with DSE-related conditions. This variant is present in population databases (rs566555871, gnomAD 0.003%). This sequence change replaces serine, which is neutral and polar, with proline, which is neutral and non-polar, at codon 413 of the DSE protein (p.Ser413Pro).

NM_013352.4(DSE):c.1237T>C (p.Ser413Pro)

Gene: DSE (dermatan sulfate epimerase; plus strand). Cytogenetic location: 6q22.1.
Variant type: single nucleotide variant.
Coding change: c.1237T>C on transcript NM_013352.4 (MANE Select); coding-DNA position 1237, T replaced by C.
Protein change: p.Ser413Pro; replaces serine 413 with proline.
Molecular consequence: missense variant. On other transcripts: 3 prime UTR variant (2), non-coding transcript variant (1).
Genome position (GRCh38, 1-based): chr6:116,435,705, T>C. VCF-style: chr6-116435705-T-C. GRCh37 (hg19) VCF-style: chr6-116756868-T-C.
Other names: c.1237T>C, p.Ser413Pro (NM_001080976.3, NM_001322937.2, NM_001322938.2); c.1294T>C, p.Ser432Pro (NM_001322939.2); c.676T>C, p.Ser226Pro (NM_001322940.2, NM_001322941.2); c.*102T>C (NM_001322943.2, NM_001322944.2); c.238T>C, p.Ser80Pro (NM_001374520.1); c.202T>C, p.Ser68Pro (NM_001374521.1); short protein forms S68P, S80P, S226P, S413P, S432P.
Identifiers: ClinVar variation 2156153 (VCV002156153.3), dbSNP rs566555871, ClinGen allele CA3969646.
Genomic context (GRCh38, chr6:116,435,705, plus strand): 5'-TATTTTGAAGACTGGGGTGTCGTGACTTATGGAAGTGCACTACCTGCAGAAATCAATAGA[T>C]CTTTCCTTTCCTTCAAGTCTGGAAAACTGGGGGGACGTGCAATATATGACATTGTCCACA-3'
Protein context (NP_037484.1, residues 403-423): GSALPAEINR[Ser413Pro]FLSFKSGKLG